The following is an entry in ClinVar:

ClinVar aggregate classification (germline): Pathogenic (1 of 4 stars; one submission).

Conditions:
Hereditary nonpolyposis colorectal neoplasms. Identifiers: MedGen C0009405, MeSH D003123.

Submission:

Labcorp Genetics (formerly Invitae), Labcorp
Classification: Pathogenic for Hereditary nonpolyposis colorectal neoplasms. Last evaluated: 2017-04-06. Review status: criteria provided, single submitter. Criteria: Invitae Variant Classification Sherloc (09022015). Collection method: clinical testing. Allele origin: germline.
Comment: For these reasons, this variant has been classified as Pathogenic. While this particular variant has not been reported in the literature, loss-of-function variants in MSH6 are known to be pathogenic (PMID: 24362816, 18269114). This sequence change deletes 1 nucleotide from exon 1 of the MSH6 mRNA (c.79delG), causing a frameshift at codon 27. This creates a premature translational stop signal (p.Ala27Profs*54) and is expected to result in an absent or disrupted protein product.

Literature cited by the submitters: PubMed 24362816; PubMed 18269114.

NM_000179.3(MSH6):c.79del (p.Ala27fs)

Gene: MSH6 (mutS homolog 6; plus strand). Cytogenetic location: 2p16.3.
Variant type: Deletion.
Coding change: c.79del on transcript NM_000179.3 (MANE Select); coding-DNA position 79, one base deleted (G; older notation c.79delG).
Protein change: p.Ala27fs; shifts the reading frame from alanine 27.
Molecular consequence: frameshift variant. On other transcripts: 5 prime UTR variant (1).
Genome position (GRCh38, 1-based): chr2:47,783,312, G deleted; the last of 3 consecutive G bases (chr2:47,783,310-47,783,312); deleting any one gives the same sequence. VCF-style (leftmost placement, unchanged base first): chr2-47783309-AG-A. GRCh37 (hg19) VCF-style: chr2-48010448-AG-A.
Other names: c.79delG (NM_000179.2); c.79del, p.Ala27fs (NM_001281492.2); c.-658del (NM_001281493.2); short protein forms A27fs.
Identifiers: ClinVar variation 455348 (VCV000455348.7), dbSNP rs1553408158, ClinGen allele CA658657034.